The following is an entry in ClinVar:

NM_001085411.3(NADK2):c.586G>A (p.Val196Ile)

Gene: NADK2 (NAD kinase 2, mitochondrial; minus strand). Cytogenetic location: 5p13.2.
Variant type: single nucleotide variant.
Coding change: c.586G>A on transcript NM_001085411.3 (MANE Select); coding-DNA position 586, G replaced by A.
Protein change: p.Val196Ile; replaces valine 196 with isoleucine.
Molecular consequence: missense variant.
Genome position (GRCh38, 1-based): chr5:36,219,654, C>T on the plus strand (G>A on the coding strand, the complement: NADK2 is on the minus strand). VCF-style: chr5-36219654-C-T. GRCh37 (hg19) VCF-style: chr5-36219756-C-T.
Other names: c.97G>A, p.Val33Ile (NM_001287340.2, NM_001287341.2, NM_153013.5); c.586G>A (NM_001085411.1); short protein forms V196I, V33I.
Identifiers: ClinVar variation 3665094 (VCV003665094.3).
Genomic context (GRCh38, chr5:36,219,654, plus strand): 5'-ACCTGAACTCACCACGATAGAACTTCTGTAAGGCTTCTGGAAAGGAATGTGTATATCGAA[C>T]GGGCAGGCATAAATGACCCTCAGACCTATATTTTAACAGGAATTTTTTGGTGATATAAAG-3'
Protein context (NP_001078880.1, residues 186-206): ERSEGHLCLP[Val196Ile]RYTHSFPEAL

ClinVar aggregate classification (germline): Uncertain significance. Review status: criteria provided, multiple submitters, no conflicts (2 of 4 stars). 2 submissions from 2 submitters: Uncertain significance (2). Last evaluated 2025-11-05.

Conditions:
Inborn genetic diseases. Identifiers: MedGen C0950123, MeSH D030342.
Progressive encephalopathy with leukodystrophy due to DECR deficiency. Identifiers: Orphanet 431361, MedGen C1857252, MONDO:0014464, OMIM 616034.

gnomAD v4.1: 22 of 1,613,606 alleles (0.0014%); highest among the groups gnomAD compares: African/African-American, 0.0053%; no homozygotes.

Submissions (2):

Ambry Genetics
Classification: Uncertain significance for Inborn genetic diseases. Last evaluated: 2025-11-05. Review status: criteria provided, single submitter. Criteria: Ambry Variant Classification Scheme 2023. Collection method: clinical testing. Allele origin: germline.

Labcorp Genetics (formerly Invitae), Labcorp
Classification: Uncertain significance for Progressive encephalopathy with leukodystrophy due to DECR deficiency. Last evaluated: 2024-10-03. Review status: criteria provided, single submitter. Criteria: Invitae Variant Classification Sherloc (09022015). Collection method: clinical testing. Allele origin: germline.
Comment: This sequence change replaces valine, which is neutral and non-polar, with isoleucine, which is neutral and non-polar, at codon 196 of the NADK2 protein (p.Val196Ile). This variant is present in population databases (rs775180461, gnomAD 0.004%). This variant has not been reported in the literature in individuals affected with NADK2-related conditions. Invitae Evidence Modeling of protein sequence and biophysical properties (such as structural, functional, and spatial information, amino acid conservation, physicochemical variation, residue mobility, and thermodynamic stability) indicates that this missense variant is not expected to disrupt NADK2 protein function with a negative predictive value of 80%. In summary, the available evidence is currently insufficient to determine the role of this variant in disease. Therefore, it has been classified as a Variant of Uncertain Significance.